The following is an entry in ClinVar:

ClinVar aggregate classification (germline): Pathogenic (1 of 4 stars; one submission).

Conditions:
Fabry disease. Also called: ALPHA-GALACTOSIDASE A DEFICIENCY; ANDERSON-FABRY DISEASE; CERAMIDE TRIHEXOSIDASE DEFICIENCY; GLA DEFICIENCY; HEREDITARY DYSTOPIC LIPIDOSIS; Angiokeratoma corporis diffusum. Identifiers: Orphanet 324, MedGen C0002986, MONDO:0010526, OMIM 301500, HP:0001071. Disease mechanism: Fabry disease is due to inactivating mutations in the X-linked GLA gene resulting in deficiency of the enzyme Alpha Galactosidase-A., loss of function.

Submission:

Genomenon, Inc
Classification: Pathogenic for Fabry disease. Last evaluated: 2026-09-08. Review status: criteria provided, single submitter. Criteria: Genomenon Sequence Variant Interpretation Standards - Updated. Collection method: curation. Allele origin: germline. Affected: yes.
Comment: GLA p.Ile270LeufsTer12 (c.807del) is a frameshift variant that is predicted to introduce a premature termination codon and result in a truncated or absent protein product. This variant has been observed in at least one proband with clinical features consistent with Fabry disease (PMID:32418857). At least one functional study has demonstrated a substantial alteration in protein function relative to the wild-type (PMID:23935525). It is absent or not present at a significant frequency in gnomAD. In conclusion, we classify GLA p.Ile270LeufsTer12 (c.807del) as a pathogenic variant.

Literature cited by the submitters: PubMed 32418857; PubMed 23935525.

NM_000169.3(GLA):c.807del (p.Ile270fs)

Genes: GLA (galactosidase alpha; minus strand), RPL36A-HNRNPH2 (RPL36A-HNRNPH2 readthrough; plus strand). Cytogenetic location: Xq22.1.
Variant type: Deletion.
Coding change: c.807del on transcript NM_000169.3 (MANE Select); coding-DNA position 807, one base deleted (G; older notation c.807delG).
Protein change: p.Ile270fs; shifts the reading frame from isoleucine 270.
Molecular consequence: frameshift variant. On other transcripts: non-coding transcript variant (3), intron variant (2).
Genome position (GRCh38, 1-based): chrX:101,398,562, C deleted on the plus strand (G on the coding strand, the reverse complement: GLA is on the minus strand). VCF-style (leftmost placement, unchanged base first): chrX-101398561-TC-T. GRCh37 (hg19) VCF-style: chrX-100653549-TC-T.
Other names: c.930del, p.Ile311fs (NM_001406747.1); c.807del, p.Ile270fs (NM_001406748.1); c.300+3105del (NM_001199973.2); c.177+6740del (NM_001199974.2); short protein forms I270fs, I311fs.
Identifiers: ClinVar variation 4087008 (VCV004087008.2).